The following is an entry in ClinVar:

NM_000492.4(CFTR):c.3205G>C (p.Gly1069Arg)

Genes: CFTR (CF transmembrane conductance regulator; plus strand), CFTR-AS2 (CFTR antisense RNA 2; minus strand), LOC111674472 (DNase I hypersensitive sites in introns 16 and 17a of CFTR; plus strand). Cytogenetic location: 7q31.2.
Variant type: single nucleotide variant.
Coding change: c.3205G>C on transcript NM_000492.4 (MANE Select); coding-DNA position 3205, G replaced by C.
Protein change: p.Gly1069Arg; replaces glycine 1069 with arginine.
Molecular consequence: missense variant.
Genome position (GRCh38, 1-based): chr7:117,611,646, G>C. VCF-style: chr7-117611646-G-C. GRCh37 (hg19) VCF-style: chr7-117251700-G-C.
Other names: short protein forms G1069R.
Identifiers: ClinVar variation 4818530 (VCV004818530.1).

ClinVar aggregate classification (germline): Likely pathogenic (1 of 4 stars; one submission).

Conditions:
CFTR-related disorder (CFTR-RD). Also called: CFTR-related disorders; CFTR-related condition. Identifiers: MedGen C5924204, MONDO:7770004.

Submission:

Natera, Inc.
Classification: Likely pathogenic for CFTR-related disorders. Last evaluated: 2024-12-22. Review status: criteria provided, single submitter. Criteria: Natera Variant Classification Schema (03/2026). Collection method: clinical testing. Allele origin: germline.
Comment: The c.3205G>C variant in CFTR is a missense variant predicted to cause substitution of glycine to arginine at amino acid 1069. This variant is rare in the general population with a frequency below the threshold expected for the associated phenotype(s). Another variant at this same site results in an alteration predicted to cause a similar molecular effect has been observed in individual(s) with the associated phenotype. Computational prediction algorithms indicate this variant is likely to affect gene or protein function. Given the available evidence, this variant is classified as Likely Pathogenic.